The following is an entry in ClinVar:

ClinVar aggregate classification (germline): Pathogenic (1 of 4 stars; one submission).

Conditions:
Autosomal recessive congenital ichthyosis 1 (LI1). Also called: ICHTHYOSIS CONGENITA; ICHTHYOSIS CONGENITA II; LAMELLAR EXFOLIATION OF NEWBORN; COLLODION FETUS; DESQUAMATION OF NEWBORN; ICHTHYOSIS, CONGENITAL, AUTOSOMAL RECESSIVE 1, WITH BATHING SUIT DISTRIBUTION. Identifiers: MedGen C4551630, MONDO:0009441, OMIM 242300.

Submission:

Department of Medical Genetics, Institute of Mother and Child, Institute of Mother and Child
Classification: Pathogenic for Autosomal recessive congenital ichthyosis 1. Last evaluated: 2025-08-20. Review status: criteria provided, single submitter. Criteria: ACMG Guidelines, 2015. Collection method: clinical testing. Allele origin: inherited. Inheritance: Autosomal recessive inheritance. Affected: yes. Observed: 10 variant alleles.
Comment: This variant was identified in several subjects in cohort of patients with autosomal recessive congenital ichthyosis. In all cases this variant was present with the second pathogenic variant on the other allel of TGM1 gene (as compound heterozygote). Variant is a complex change: tandem duplication of exons 10-14 in TGM1 gene with internal small duplication of 13 bp. According to ACMG recomendations (ACMG, 2015 [PMID: 25741868] and Tavtigian et al., 2020 [PMID: 32720330]) this variant is clasified as pathogenic (PVS1_very_strong, PM2_moderate, PM3_moderate, PP1_supporting, PP4_supporting).

NM_000359.3(TGM1):c.[1403-355_2225+1704dup;2225+1706_2225+1707insCCACCATCTGTGACCACCATCTGT]

Variant type: Haplotype.
Identifiers: ClinVar variation 4076949 (VCV004076949.1).